The following is an entry in ClinVar:

ClinVar aggregate classification (germline): Uncertain significance. Review status: criteria provided, multiple submitters, no conflicts (2 of 4 stars). 6 submissions from 6 submitters: Uncertain significance (5). 1 of the submissions does not count toward it. Last evaluated 2025-02-18.

Conditions:
Maturity-onset diabetes of the young type 13. Also called: MODY, TYPE 13. Identifiers: Orphanet 552, MedGen C4225365, MONDO:0014589, OMIM 616329.
Diabetes mellitus, permanent neonatal 2. Also called: KCNJ11-Related Permanent Neonatal Diabetes Mellitus. Identifiers: MedGen C5394296, MONDO:0030087, OMIM 618856.
Hyperinsulinemic hypoglycemia, familial, 2. Also called: HYPERINSULINEMIC HYPOGLYCEMIA, PERSISTENT; HYPERINSULINISM, NEONATAL. Identifiers: Orphanet 276580, Orphanet 276603, MedGen C2931833, MONDO:0011153, OMIM 601820. Disease mechanism: loss of function.
Diabetes mellitus, transient neonatal, 3 (TNDM3). Identifiers: Orphanet 99886, MedGen C1864623, MONDO:0012522, OMIM 610582. Disease mechanism: loss of function.
Type 2 diabetes mellitus. Also called: Type II diabetes mellitus. Identifiers: MedGen C0011860, MeSH D003924, MONDO:0005148, OMIM 125853, HP:0005978.
Permanent neonatal diabetes mellitus 1. Also called: GCK-Related Permanent Neonatal Diabetes Mellitus. Identifiers: MedGen C5393570, MONDO:0100165, OMIM 606176.
Maturity-onset diabetes of the young (MODY). Also called: Maturity onset diabetes mellitus in young. Identifiers: Orphanet 552, MedGen C0342276, MONDO:0018911, HP:0004904.

Allele frequency attached by ClinVar (database versions not stated): gnomAD exomes 0.00003 and 0.00007; ExAC 0.00004; gnomAD 0.00006; TOPMed 0.00006.
gnomAD v4.1: 102 of 1,613,772 alleles (0.0063%); highest among the groups gnomAD compares: Non-Finnish European, 0.0085%; no homozygotes.

Submissions (6):

Women's Health and Genetics/Laboratory Corporation of America, LabCorp
Classification: Uncertain significance. Last evaluated: 2025-02-18. Review status: criteria provided, single submitter. Criteria: LabCorp Variant Classification Summary - May 2015. Collection method: clinical testing. Allele origin: germline.
Comment: Variant summary: KCNJ11 c.1093C>T (p.Arg365Cys) results in a non-conservative amino acid change in the encoded protein sequence. Three of five in-silico tools predict a damaging effect of the variant on protein function. The variant allele was found at a frequency of 2.8e-05 in 250968 control chromosomes. The available data on variant occurrences in the general population are insufficient to allow any conclusion about variant significance. c.1093C>T has been reported in the literature in heterozygous individuals affected with Congenital Hyperinsulinism, without strong evidence of causality (example: Snider_2013, Ozen_2015). These report(s) do not provide unequivocal conclusions about association of the variant with Congenital Hyperinsulinism. To our knowledge, no experimental evidence demonstrating an impact on protein function has been reported. The following publications have been ascertained in the context of this evaluation (PMID: 23275527). ClinVar contains an entry for this variant (Variation ID: 287827). Based on the evidence outlined above, the variant was classified as uncertain significance.

Labcorp Genetics (formerly Invitae), Labcorp
Classification: Uncertain significance. Last evaluated: 2024-08-22. Review status: criteria provided, single submitter. Criteria: Invitae Variant Classification Sherloc (09022015). Collection method: clinical testing. Allele origin: germline.
Comment: This sequence change replaces arginine, which is basic and polar, with cysteine, which is neutral and slightly polar, at codon 365 of the KCNJ11 protein (p.Arg365Cys). This variant is present in population databases (rs758749160, gnomAD 0.006%). This missense change has been observed in individual(s) with childhood congenital hyperinsulinism (PMID: 23275527). ClinVar contains an entry for this variant (Variation ID: 287827). Invitae Evidence Modeling of protein sequence and biophysical properties (such as structural, functional, and spatial information, amino acid conservation, physicochemical variation, residue mobility, and thermodynamic stability) has been performed for this missense variant. However, the output from this modeling did not meet the statistical confidence thresholds required to predict the impact of this variant on KCNJ11 protein function. In summary, the available evidence is currently insufficient to determine the role of this variant in disease. Therefore, it has been classified as a Variant of Uncertain Significance.

Fulgent Genetics
Classification: Uncertain significance for Type 2 diabetes mellitus; Hyperinsulinemic hypoglycemia, familial, 2; Diabetes mellitus, transient neonatal, 3; Maturity-onset diabetes of the young type 13; Diabetes mellitus, permanent neonatal 2. Last evaluated: 2024-04-06. Review status: criteria provided, single submitter. Criteria: ACMG Guidelines, 2015. Collection method: clinical testing. Allele origin: germline.

Eurofins Ntd Llc (ga)
Classification: Uncertain significance. Last evaluated: 2016-05-25. Review status: criteria provided, single submitter. Criteria: EGL Classification Definitions 2015. Collection method: clinical testing. Allele origin: germline. Observed: 1 variant allele, 1 heterozygote.

Clinical Genomics, Uppaluri K&H Personalized Medicine Clinic
Classification: Uncertain significance for Maturity-onset diabetes of the young. Review status: criteria provided, single submitter. Criteria: K&H Uppaluri Personalized Medicine Clinic Variant Classification & Assertion Criteria. Collection method: research. Allele origin: somatic. Inheritance: Autosomal dominant inheritance.
Comment: Mutations in KCNJ11 gene can cause decreased production and secretion of insulin. This can lead to MODY which may be responsive to oral sulfonylureas. It is also associated with with Neonatal Diabetes. However, no sufficient evidence is found to ascertain the role of rs758749160 variant in MODY yet.

Counsyl
Classification: Uncertain significance for Hyperinsulinemic hypoglycemia, familial, 2; Permanent neonatal diabetes mellitus 1; Diabetes mellitus, transient neonatal, 3. Last evaluated: 2017-01-11. Review status: no assertion criteria provided. Collection method: clinical testing. Allele origin: unknown. Not counted in ClinVar's aggregate classification.

Literature cited by the submitters: PubMed 23275527 (cited by 3 submitters); PubMed 26448950 (cited by Clinical Genomics, Uppaluri K&H Personalized Medicine Clinic); PubMed 15580558 (cited by Clinical Genomics, Uppaluri K&H Personalized Medicine Clinic); PubMed 15718250 (cited by Clinical Genomics, Uppaluri K&H Personalized Medicine Clinic); PubMed 32935446 (cited by Clinical Genomics, Uppaluri K&H Personalized Medicine Clinic); PubMed 22701567 (cited by Clinical Genomics, Uppaluri K&H Personalized Medicine Clinic).

NM_000525.4(KCNJ11):c.1093C>T (p.Arg365Cys)

Gene: KCNJ11 (potassium inwardly rectifying channel subfamily J member 11; minus strand). Cytogenetic location: 11p15.1.
Variant type: single nucleotide variant.
Coding change: c.1093C>T on transcript NM_000525.4 (MANE Select); coding-DNA position 1093, C replaced by T.
Protein change: p.Arg365Cys; replaces arginine 365 with cysteine.
Molecular consequence: missense variant.
Genome position (GRCh38, 1-based): chr11:17,386,999, G>A on the plus strand (C>T on the coding strand, the complement: KCNJ11 is on the minus strand). VCF-style: chr11-17386999-G-A. GRCh37 (hg19) VCF-style: chr11-17408546-G-A.
Other names: c.832C>T, p.Arg278Cys (NM_001166290.2, NM_001377296.1, NM_001377297.1); short protein forms R365C, R278C.
Identifiers: ClinVar variation 287827 (VCV000287827.11), dbSNP rs758749160, ClinGen allele CA5902186.